The following is an entry in ClinVar:

NM_001042492.3(NF1):c.7120dup (p.Met2374fs)

Gene: NF1 (neurofibromin 1; plus strand). Cytogenetic location: 17q11.2.
Variant type: Duplication.
Coding change: c.7120dup on transcript NM_001042492.3 (MANE Select); coding-DNA position 7120, one base duplicated (A; older notation c.7120dupA).
Protein change: p.Met2374fs; shifts the reading frame from methionine 2374.
Molecular consequence: frameshift variant.
Genome position (GRCh38, 1-based): chr17:31,343,066, A duplicated; the last of 3 consecutive A bases (chr17:31,343,064-31,343,066); duplicating any one gives the same sequence. VCF-style (leftmost placement, unchanged base first): chr17-31343063-C-CA. GRCh37 (hg19) VCF-style: chr17-29670081-C-CA.
Other names: c.7057dup, p.Met2353Asnfs (NM_000267.4); short protein forms M2374fs, M2353fs.
Identifiers: ClinVar variation 860110 (VCV000860110.6), dbSNP rs2069867738, ClinGen allele CA916080694.

ClinVar aggregate classification (germline): Pathogenic (1 of 4 stars; one submission).

Conditions:
Neurofibromatosis, type 1 (NF1). Also called: Neurofibromatosis, type I; VON RECKLINGHAUSEN DISEASE; Peripheral type neurofibromatosis; NEUROFIBROMATOSIS, TYPE I, SOMATIC. Identifiers: Orphanet 636, MedGen C0027831, MONDO:0018975, OMIM 162200. Disease mechanism: loss of function.

Submission:

Labcorp Genetics (formerly Invitae), Labcorp
Classification: Pathogenic for Neurofibromatosis, type 1. Last evaluated: 2019-04-18. Review status: criteria provided, single submitter. Criteria: Invitae Variant Classification Sherloc (09022015). Collection method: clinical testing. Allele origin: germline.
Comment: Loss-of-function variants in NF1 are known to be pathogenic (PMID: 10712197, 23913538). For these reasons, this variant has been classified as Pathogenic. This variant has not been reported in the literature in individuals with NF1-related conditions. This variant is not present in population databases (ExAC no frequency). This sequence change creates a premature translational stop signal (p.Met2353Asnfs*12) in the NF1 gene. It is expected to result in an absent or disrupted protein product.

Literature cited by the submitters: PubMed 10712197; PubMed 23913538.